The following is an entry in ClinVar:

ClinVar aggregate classification (germline): Uncertain significance. Review status: criteria provided, multiple submitters, no conflicts (2 of 4 stars). 4 submissions from 4 submitters: Uncertain significance (3). 1 of the submissions does not count toward it. Last evaluated 2024-09-23.

Conditions:
Wilson disease (WND). Also called: Wilson's disease. Identifiers: Orphanet 905, MedGen C0019202, MONDO:0010200, OMIM 277900. Disease mechanism: loss of function.

Submissions (4):

All of Us Research Program, National Institutes of Health
Classification: Uncertain significance for Wilson disease. Last evaluated: 2024-09-23. Review status: criteria provided, single submitter. Criteria: ACMG Guidelines, 2015. Collection method: clinical testing. Allele origin: germline. Inheritance: Autosomal recessive inheritance. Observed: 2 variant alleles, 2 heterozygotes.
Comment: This variant causes an in-frame deletion of 4 amino acids in exon 2 of the ATP7B gene. To our knowledge, functional studies have not been reported for this variant. This variant has not been reported in individuals affected with ATP7B-related disorders in the literature. This variant has been identified in 2/248678 chromosomes in the general population by the Genome Aggregation Database (gnomAD). The available evidence is insufficient to determine the role of this variant in disease conclusively. Therefore, this variant is classified as a Variant of Uncertain Significance.

This study involves interpretation of variants in research participants for the purpose of population health screening. Participant phenotype was not available at the time of variant classification. Additional details can be found in publication PMID: 35346344, PMCID: PMC8962531

Fulgent Genetics
Classification: Uncertain significance for Wilson disease. Last evaluated: 2024-06-08. Review status: criteria provided, single submitter. Criteria: ACMG Guidelines, 2015. Collection method: clinical testing. Allele origin: germline.

Color Diagnostics, LLC DBA Color Health
Classification: Uncertain significance for Wilson disease. Last evaluated: 2024-05-09. Review status: criteria provided, single submitter. Criteria: ACMG Guidelines, 2015. Collection method: clinical testing. Allele origin: germline.
Comment: This variant causes an in-frame deletion of 4 amino acids in exon 2 of the ATP7B gene. To our knowledge, functional studies have not been reported for this variant. This variant has not been reported in individuals affected with ATP7B-related disorders in the literature. This variant has been identified in 2/248678 chromosomes in the general population by the Genome Aggregation Database (gnomAD). The available evidence is insufficient to determine the role of this variant in disease conclusively. Therefore, this variant is classified as a Variant of Uncertain Significance.

Counsyl
Classification: Uncertain significance for Wilson disease. Last evaluated: 2017-02-07. Review status: no assertion criteria provided. Collection method: clinical testing. Allele origin: unknown. Not counted in ClinVar's aggregate classification.

NM_000053.4(ATP7B):c.764_775del (p.His255_Thr258del)

Gene: ATP7B (ATPase copper transporting beta; minus strand). Cytogenetic location: 13q14.3.
Variant type: Deletion.
Coding change: c.764_775del on transcript NM_000053.4 (MANE Select); coding-DNA positions 764 to 775, 12 bases deleted (ATGTGGTCACCC).
Protein change: p.His255_Thr258del.
Molecular consequence: inframe deletion.
Genome position (GRCh38, 1-based): chr13:51,974,445-51,974,456, GGGTGACCACAT deleted on the plus strand (ATGTGGTCACCC on the coding strand, the reverse complement: ATP7B is on the minus strand); deleting any 12 consecutive bases within chr13:51,974,445-51,974,458 gives the same sequence; the c. name uses the placement nearest the transcript's 3' end. VCF-style (leftmost placement, unchanged base first): chr13-51974444-AGGGTGACCACAT-A. GRCh37 (hg19) VCF-style: chr13-52548580-AGGGTGACCACAT-A.
Other names: c.764_775del, p.His255_Thr258del (NM_001005918.3, NM_001243182.2, NM_001330578.2 and 1 more transcripts).
Identifiers: ClinVar variation 550647 (VCV000550647.5), dbSNP rs1417723997, ClinGen allele CA610425834.